The following is an entry in ClinVar:

NM_001142800.2(EYS):c.3266del (p.Met1089fs)

Gene: EYS (EGF-like photoreceptor maintenance factor; minus strand). Cytogenetic location: 6q12.
Variant type: Deletion.
Coding change: c.3266del on transcript NM_001142800.2 (MANE Select); coding-DNA position 3266, one base deleted (T; older notation c.3266delT).
Protein change: p.Met1089fs; shifts the reading frame from methionine 1089.
Molecular consequence: frameshift variant.
Genome position (GRCh38, 1-based): chr6:64,813,555, A deleted on the plus strand (T on the coding strand, the reverse complement: EYS is on the minus strand). VCF-style (leftmost placement, unchanged base first): chr6-64813554-CA-C. GRCh37 (hg19) VCF-style: chr6-65523447-CA-C.
Other names: c.3266del, p.Met1089fs (NM_001292009.2); short protein forms M1089fs.
Identifiers: ClinVar variation 1076098 (VCV001076098.9), dbSNP rs1329066633, ClinGen allele CA567767066.

ClinVar aggregate classification (germline): Pathogenic/Likely pathogenic. Review status: criteria provided, multiple submitters, no conflicts (2 of 4 stars). 3 submissions from 3 submitters: Pathogenic (2); Likely pathogenic (1). Last evaluated 2026-03-31.

Conditions:
Retinitis pigmentosa 25 (RP25). Identifiers: Orphanet 791, MedGen C1864446, MONDO:0011272, OMIM 602772.

Allele frequency attached by ClinVar (database versions not stated): gnomAD exomes 0.00001 and 0.00003.

Submissions (3):

Myriad Genetics, Inc.
Classification: Pathogenic for Retinitis pigmentosa 25. Last evaluated: 2026-03-31. Review status: criteria provided, single submitter. Criteria: Myriad Autosomal Dominant, Autosomal Recessive and X-Linked Classification Criteria (2023). Collection method: clinical testing. Allele origin: unknown.
Comment: NM_001142800.1(EYS):c.3266delT(M1089Rfs*74) is a frameshift variant classified as pathogenic in the context of retinitis pigmentosa, EYS-related. M1089Rfs*74 has not been observed in cases with relevant disease. Relevant functional assessments of this variant are not available in the literature. M1089Rfs*74 has been observed in referenced population frequency databases. In summary, NM_001142800.1(EYS):c.3266delT(M1089Rfs*74) is a frameshift variant in a gene where loss of function is a known mechanism of disease and is predicted to disrupt protein function. Please note: this variant was assessed in the context of healthy population screening.

Labcorp Genetics (formerly Invitae), Labcorp
Classification: Pathogenic. Last evaluated: 2024-12-15. Review status: criteria provided, single submitter. Criteria: Invitae Variant Classification Sherloc (09022015). Collection method: clinical testing. Allele origin: germline.
Comment: This sequence change creates a premature translational stop signal (p.Met1089Argfs*74) in the EYS gene. It is expected to result in an absent or disrupted protein product. Loss-of-function variants in EYS are known to be pathogenic (PMID: 18836446, 20333770). This variant is present in population databases (no rsID available, gnomAD 0.02%). This variant has not been reported in the literature in individuals affected with EYS-related conditions. ClinVar contains an entry for this variant (Variation ID: 1076098). For these reasons, this variant has been classified as Pathogenic.

Baylor Genetics
Classification: Likely pathogenic for Retinitis pigmentosa 25. Last evaluated: 2023-04-08. Review status: criteria provided, single submitter. Criteria: ACMG Guidelines, 2015. Collection method: clinical testing. Allele origin: unknown.

Literature cited by the submitters: PubMed 18836446 (cited by Labcorp Genetics (formerly Invitae), Labcorp); PubMed 20333770 (cited by Labcorp Genetics (formerly Invitae), Labcorp).